The following is an entry in ClinVar:

NM_001271.4(CHD2):c.5443_5447del (p.Gln1815fs)

Gene: CHD2 (chromodomain helicase DNA binding protein 2; plus strand). Cytogenetic location: 15q26.1.
Variant type: Deletion.
Coding change: c.5443_5447del on transcript NM_001271.4 (MANE Select); coding-DNA positions 5443 to 5447, 5 bases deleted (CAGAA; older notation c.5443_5447delCAGAA).
Protein change: p.Gln1815fs; shifts the reading frame from glutamine 1815.
Molecular consequence: frameshift variant.
Genome position (GRCh38, 1-based): chr15:93,024,661-93,024,665, CAGAA deleted; deleting any 5 consecutive bases within chr15:93,024,657-93,024,665 gives the same sequence; the c. name uses the placement nearest the transcript's 3' end. VCF-style (leftmost placement, unchanged base first): chr15-93024656-TAGAAC-T. GRCh37 (hg19) VCF-style: chr15-93567886-TAGAAC-T.
Other names: short protein forms Q1815fs.
Identifiers: ClinVar variation 2031609 (VCV002031609.4), dbSNP rs2505651135, ClinGen allele CA2580090362.

ClinVar aggregate classification (germline): Uncertain significance (1 of 4 stars; one submission).

Conditions:
Developmental and epileptic encephalopathy 94 (DEE94). Also called: CHD2-Related Neurodevelopmental Disorders; Epileptic encephalopathy, childhood-onset. Identifiers: Orphanet 1942, Orphanet 2382, MedGen C3809278, MONDO:0014150, OMIM 615369.

Submission:

Labcorp Genetics (formerly Invitae), Labcorp
Classification: Uncertain significance for Developmental and epileptic encephalopathy 94. Last evaluated: 2022-09-21. Review status: criteria provided, single submitter. Criteria: Invitae Variant Classification Sherloc (09022015). Collection method: clinical testing. Allele origin: germline.
Comment: In summary, the available evidence is currently insufficient to determine the role of this variant in disease. Therefore, it has been classified as a Variant of Uncertain Significance. Experimental studies and prediction algorithms are not available or were not evaluated, and the functional significance of this variant is currently unknown. This variant has not been reported in the literature in individuals affected with CHD2-related conditions. This variant is not present in population databases (gnomAD no frequency). This sequence change creates a premature translational stop signal (p.Gln1815Lysfs*6) in the CHD2 gene. While this is not anticipated to result in nonsense mediated decay, it is expected to disrupt the last 14 amino acid(s) of the CHD2 protein.